The following is an entry in ClinVar:

ClinVar aggregate classification (germline): Uncertain significance (1 of 4 stars; one submission).

Allele frequency attached by ClinVar (database versions not stated): gnomAD exomes below 0.00001; TOPMed 0.00001.
gnomAD v4.1: 3 of 1,612,216 alleles (0.00019%); highest among the groups gnomAD compares: Admixed American, 0.0033%; no homozygotes.

Submission:

Labcorp Genetics (formerly Invitae), Labcorp
Classification: Uncertain significance. Last evaluated: 2024-12-02. Review status: criteria provided, single submitter. Criteria: Invitae Variant Classification Sherloc (09022015). Collection method: clinical testing. Allele origin: germline.
Comment: This sequence change replaces isoleucine, which is neutral and non-polar, with threonine, which is neutral and polar, at codon 434 of the GUCY2C protein (p.Ile434Thr). This variant is present in population databases (no rsID available, gnomAD 0.003%). This variant has not been reported in the literature in individuals affected with GUCY2C-related conditions. ClinVar contains an entry for this variant (Variation ID: 1963690). Invitae Evidence Modeling of protein sequence and biophysical properties (such as structural, functional, and spatial information, amino acid conservation, physicochemical variation, residue mobility, and thermodynamic stability) indicates that this missense variant is not expected to disrupt GUCY2C protein function with a negative predictive value of 80%. In summary, the available evidence is currently insufficient to determine the role of this variant in disease. Therefore, it has been classified as a Variant of Uncertain Significance.

NM_004963.4(GUCY2C):c.1301T>C (p.Ile434Thr)

Gene: GUCY2C (guanylate cyclase 2C; minus strand). Cytogenetic location: 12p12.3.
Variant type: single nucleotide variant.
Coding change: c.1301T>C on transcript NM_004963.4 (MANE Select); coding-DNA position 1301, T replaced by C.
Protein change: p.Ile434Thr; replaces isoleucine 434 with threonine.
Molecular consequence: missense variant.
Genome position (GRCh38, 1-based): chr12:14,661,044, A>G on the plus strand (T>C on the coding strand, the complement: GUCY2C is on the minus strand). VCF-style: chr12-14661044-A-G. GRCh37 (hg19) VCF-style: chr12-14813978-A-G.
Other names: short protein forms I434T.
Identifiers: ClinVar variation 1963690 (VCV001963690.5), dbSNP rs1169755107, ClinGen allele CA383994168.